The following is an entry in ClinVar:

NM_153717.3(EVC):c.1886+2T>G

Gene: EVC (EvC ciliary complex subunit 1; plus strand). Cytogenetic location: 4p16.2.
Variant type: single nucleotide variant.
Coding change: c.1886+2T>G on transcript NM_153717.3 (MANE Select); the canonical splice donor site of the intron after coding-DNA position 1886, T replaced by G.
Molecular consequence: splice donor variant.
Genome position (GRCh38, 1-based): chr4:5,793,719, T>G. VCF-style: chr4-5793719-T-G. GRCh37 (hg19) VCF-style: chr4-5795446-T-G.
Other names: c.1886+2T>G (NM_001306090.2).
Identifiers: ClinVar variation 941560 (VCV000941560.9), dbSNP rs1713228964, ClinGen allele CA356141964.

ClinVar aggregate classification (germline): Likely pathogenic (1 of 4 stars; one submission).

Conditions:
Ellis-van Creveld syndrome (EVC). Also called: Chondroectodermal dysplasia; EVC-Related Ellis-van Creveld Syndrome; EVC2-Related Ellis-van Creveld Syndrome; MESOECTODERMAL DYSPLASIA. Identifiers: Orphanet 289, MedGen C0013903, MONDO:0009162, OMIM 225500.
Curry-Hall syndrome (WAD). Also called: WEYERS ACRODENTAL DYSOSTOSIS. Identifiers: Orphanet 952, MedGen C0457013, MONDO:0008673, OMIM 193530.

Submission:

Labcorp Genetics (formerly Invitae), Labcorp
Classification: Likely pathogenic for Curry-Hall syndrome; Ellis-van Creveld syndrome. Last evaluated: 2021-10-04. Review status: criteria provided, single submitter. Criteria: Invitae Variant Classification Sherloc (09022015). Collection method: clinical testing. Allele origin: germline.
Comment: This sequence change affects a donor splice site in intron 13 of the EVC gene. It is expected to disrupt RNA splicing. Variants that disrupt the donor or acceptor splice site typically lead to a loss of protein function (PMID: 16199547), and loss-of-function variants in EVC are known to be pathogenic (PMID: 23220543). In summary, the currently available evidence indicates that the variant is pathogenic, but additional data are needed to prove that conclusively. Therefore, this variant has been classified as Likely Pathogenic. Algorithms developed to predict the effect of sequence changes on RNA splicing suggest that this variant may disrupt the consensus splice site. Disruption of this splice site has been observed in individual(s) with clinical features of EVC-related conditions (Invitae). This variant is not present in population databases (ExAC no frequency).

Literature cited by the submitters: PubMed 16199547; PubMed 23220543.